The following is an entry in ClinVar:

NM_001165963.4(SCN1A):c.4901_4920delinsCGTCCGAGTGATTCG (p.Leu1634_Leu1640delinsProSerGluTer)

Genes: SCN1A (sodium voltage-gated channel alpha subunit 1; minus strand), LOC102724058 (uncharacterized LOC102724058; plus strand). Cytogenetic location: 2q24.3.
Variant type: Indel.
Coding change: c.4901_4920delinsCGTCCGAGTGATTCG on transcript NM_001165963.4 (MANE Select); coding-DNA positions 4901 to 4920, TGTTCCGAGTGATCCGTCTT replaced by CGTCCGAGTGATTCG.
Protein change: p.Leu1634_Leu1640delinsProSerGluTer.
Molecular consequence: nonsense. On other transcripts: non-coding transcript variant (1).
Genome position (GRCh38, 1-based): chr2:165,992,355-165,992,374, AAGACGGATCACTCGGAACA replaced by CGAATCACTCGGACG on the plus strand (TGTTCCGAGTGATCCGTCTT replaced by CGTCCGAGTGATTCG on the coding strand, the reverse complement: SCN1A is on the minus strand). GRCh37 (hg19): chr2:166,848,865-166,848,884.
Other names: c.4817_4836delinsCGTCCGAGTGATTCG, p.Leu1606_Leu1612delinsProSerGluTer (NM_001165964.3, NM_001353957.2, NM_001353958.2); c.4901_4920delinsCGTCCGAGTGATTCG, p.Leu1634_Leu1640delinsProSerGluTer (NM_001202435.3, NM_001353948.2); c.4868_4887delinsCGTCCGAGTGATTCG, p.Leu1623_Leu1629delinsProSerGluTer (NM_001353949.2, NM_001353950.2, NM_001353951.2 and 2 more transcripts); c.4865_4884delinsCGTCCGAGTGATTCG, p.Leu1622_Leu1628delinsProSerGluTer (NM_001353954.2, NM_001353955.2); c.4814_4833delinsCGTCCGAGTGATTCG, p.Leu1605_Leu1611delinsProSerGluTer (NM_001353960.2); c.2459_2478delinsCGTCCGAGTGATTCG, p.Leu820_Leu826delinsProSerGluTer (NM_001353961.2).
Identifiers: ClinVar variation 1878566 (VCV001878566.1), dbSNP rs2468340688, ClinGen allele CA2580064440.

ClinVar aggregate classification (germline): Uncertain significance (1 of 4 stars; one submission).

Conditions:
Severe myoclonic epilepsy in infancy (DRVT). Also called: Dravet syndrome; Epileptic encephalopathy, early infantile, 6 (Dravet syndrome); SEVERE MYOCLONIC EPILEPSY OF INFANCY; DEVELOPMENTAL AND EPILEPTIC ENCEPHALOPATHY 6A; Severe Myoclonic Epilepsy in Infancy (SMEI). Identifiers: Orphanet 33069, MedGen C0751122, MONDO:0100135, OMIM 607208.

Submission:

Neuberg Centre For Genomic Medicine, NCGM
Classification: Uncertain significance for Severe myoclonic epilepsy in infancy. Review status: criteria provided, single submitter. Criteria: ACMG Guidelines, 2015. Collection method: clinical testing. Allele origin: germline. Affected: yes.
Comment: The frameshift deletion p.Leu1634ProfsTer4 in SCN1A (NM_001165963.4) has not been reported previously as a pathogenic variant nor as a benign variant, to our knowledge. Null variant (frame-shift), in gene SCN1A for which loss-of-function is a known mechanism of disease (gene has 628 pathogenic LOF variants and gnomAD Loss-of-Function Observed/Expected = 0.0226 is less than 0.763). Observed variant is novel and not found in gnomAD exomes. For these reasons, this variant has been classified as uncertain significance . Since, the variant is present in last exon, functional studies will be required to prove protein truncation.